The following is an entry in ClinVar:

ClinVar aggregate classification (germline): Conflicting classifications of pathogenicity. Review status: criteria provided, conflicting classifications (1 of 4 stars). 7 submissions from 7 submitters: Uncertain significance (1); Benign (1); Likely benign (4). 1 of the submissions does not count toward it. Last evaluated 2026-02-01.

Conditions:
Finnish congenital nephrotic syndrome (NPHS1). Also called: NEPHROTIC SYNDROME, TYPE 1. Identifiers: Orphanet 839, MedGen C0403399, MONDO:0009732, OMIM 256300.
Congenital nephrotic syndrome. Also called: Familial nephrotic syndrome. Identifiers: MedGen C3501848, MeSH C535761, MONDO:0002350, HP:0008677.
Focal segmental glomerulosclerosis (FSGS). Also called: Glomerulosclerosis, focal; Focal sclerosis with hyalinosis. Identifiers: MedGen C0017668, MONDO:0100313, HP:0000097. Disease mechanism: loss of function.

Allele frequency attached by ClinVar (database versions not stated): gnomAD exomes 0.00034 and 0.00096; ExAC 0.00122; gnomAD 0.00405; TOPMed 0.00416; ESP Exome Variant Server 0.00554; 1000 Genomes Project 30x 0.00671; 1000 Genomes Project 0.00699.
gnomAD v4.1: 1,092 of 1,614,108 alleles (0.068%); highest among the groups gnomAD compares: African/African-American, 1.4%; 6 homozygotes.

Submissions (7):

Labcorp Genetics (formerly Invitae), Labcorp
Classification: Benign. Last evaluated: 2026-02-01. Review status: criteria provided, single submitter. Criteria: Invitae Variant Classification Sherloc (09022015). Collection method: clinical testing. Allele origin: germline.

Mayo Clinic Laboratories, Mayo Clinic
Classification: Likely benign. Last evaluated: 2025-09-24. Review status: criteria provided, single submitter. Criteria: ACMG Guidelines, 2015. Collection method: clinical testing. Allele origin: germline. Observed: 2 variant alleles.
Comment: BS1, BP4

Blueprint Genetics
Classification: Likely benign. Last evaluated: 2024-09-13. Review status: criteria provided, single submitter. Criteria: ACMG Guidelines, 2015. Collection method: clinical testing. Allele origin: germline.

Genome Diagnostics Laboratory, The Hospital for Sick Children
Classification: Likely benign for Focal segmental glomerulosclerosis. Last evaluated: 2022-08-16. Review status: criteria provided, single submitter. Criteria: ACMG Guidelines, 2015. Collection method: clinical testing. Allele origin: germline.

GeneDx
Classification: Likely benign. Last evaluated: 2021-03-17. Review status: criteria provided, single submitter. Criteria: GeneDx Variant Classification Process June 2021. Collection method: clinical testing. Allele origin: germline. Affected: yes.

Illumina Laboratory Services, Illumina
Classification: Uncertain significance for Congenital nephrotic syndrome. Last evaluated: 2018-01-13. Review status: criteria provided, single submitter. Criteria: ICSL Variant Classification Criteria 13 December 2019. Collection method: clinical testing. Allele origin: germline.

Natera, Inc.
Classification: Benign for Finnish congenital nephrotic syndrome. Last evaluated: 2020-09-16. Review status: no assertion criteria provided. Collection method: clinical testing. Allele origin: germline. Not counted in ClinVar's aggregate classification.

NM_004646.4(NPHS1):c.3598C>T (p.Pro1200Ser)

Gene: NPHS1 (NPHS1 adhesion molecule, nephrin; minus strand). Cytogenetic location: 19q13.12.
Variant type: single nucleotide variant.
Coding change: c.3598C>T on transcript NM_004646.4 (MANE Select); coding-DNA position 3598, C replaced by T.
Protein change: p.Pro1200Ser; replaces proline 1200 with serine.
Molecular consequence: missense variant.
Genome position (GRCh38, 1-based): chr19:35,826,642, G>A on the plus strand (C>T on the coding strand, the complement: NPHS1 is on the minus strand). VCF-style: chr19-35826642-G-A. GRCh37 (hg19) VCF-style: chr19-36317544-G-A.
Other names: p.Pro1200Ser; short protein forms P1200S.
Identifiers: ClinVar variation 720781 (VCV000720781.20), dbSNP rs35240811, ClinGen allele CA9389687.